The following is an entry in ClinVar:

NM_199420.4(POLQ):c.2587T>G (p.Trp863Gly)

Gene: POLQ (DNA polymerase theta; minus strand). Cytogenetic location: 3q13.33.
Variant type: single nucleotide variant.
Coding change: c.2587T>G on transcript NM_199420.4 (MANE Select); coding-DNA position 2587, T replaced by G.
Protein change: p.Trp863Gly; replaces tryptophan 863 with glycine.
Molecular consequence: missense variant.
Genome position (GRCh38, 1-based): chr3:121,490,344, A>C on the plus strand (T>G on the coding strand, the complement: POLQ is on the minus strand). VCF-style: chr3-121490344-A-C. GRCh37 (hg19) VCF-style: chr3-121209191-A-C.
Other names: short protein forms W863G.
Identifiers: ClinVar variation 1793445 (VCV001793445.2), dbSNP rs2546788494, ClinGen allele CA354105752.
Genomic context (GRCh38, chr3:121,490,344, plus strand): 5'-CTTCTTCCACTATAAGGGCTGCTGCTTCCCTTTCAGTTAAACCTTTTCTGCCAGTCACCC[A>C]GATAGTTCGCATATTGCGACGTTCTTCAACTGCTTCCTCTTCCTCATCCACTGCCTTCCG-3'
Protein context (NP_955452.3, residues 853-873): VEERRNMRTI[Trp863Gly]VTGRKGLTER

ClinVar aggregate classification (germline): Uncertain significance (1 of 4 stars; one submission).

Submission:

Ambry Genetics
Classification: Uncertain significance. Last evaluated: 2022-09-04. Review status: criteria provided, single submitter. Criteria: Ambry Variant Classification Scheme 2023. Collection method: clinical testing. Allele origin: germline.
Comment: The p.W863G variant (also known as c.2587T>G), located in coding exon 16 of the POLQ gene, results from a T to G substitution at nucleotide position 2587. The tryptophan at codon 863 is replaced by glycine, an amino acid with highly dissimilar properties. This amino acid position is conserved. In addition, the in silico prediction for this alteration is inconclusive. Since supporting evidence is limited at this time, the clinical significance of this alteration remains unclear.